The following is an entry in ClinVar:

NM_015634.4(KIFBP):c.1520A>G (p.Asn507Ser)

Gene: KIFBP (kinesin family binding protein; plus strand). Cytogenetic location: 10q22.1.
Variant type: single nucleotide variant.
Coding change: c.1520A>G on transcript NM_015634.4 (MANE Select); coding-DNA position 1520, A replaced by G.
Protein change: p.Asn507Ser; replaces asparagine 507 with serine.
Molecular consequence: missense variant.
Genome position (GRCh38, 1-based): chr10:69,016,070, A>G. VCF-style: chr10-69016070-A-G. GRCh37 (hg19) VCF-style: chr10-70775826-A-G.
Other names: short protein forms N507S.
Identifiers: ClinVar variation 1957677 (VCV001957677.5), dbSNP rs1412898890, ClinGen allele CA376902624.

ClinVar aggregate classification (germline): Uncertain significance (1 of 4 stars; one submission).

Allele frequency attached by ClinVar (database versions not stated): TOPMed below 0.00001; gnomAD 0.00001.
gnomAD v4.1: 1 of 1,613,970 alleles (0.000062%); highest among the groups gnomAD compares: Admixed American, 0.0017%; no homozygotes.

Submission:

Labcorp Genetics (formerly Invitae), Labcorp
Classification: Uncertain significance. Last evaluated: 2024-10-23. Review status: criteria provided, single submitter. Criteria: Invitae Variant Classification Sherloc (09022015). Collection method: clinical testing. Allele origin: germline.
Comment: This sequence change replaces asparagine, which is neutral and polar, with serine, which is neutral and polar, at codon 507 of the KIF1BP protein (p.Asn507Ser). This variant is not present in population databases (gnomAD no frequency). This variant has not been reported in the literature in individuals affected with KIF1BP-related conditions. ClinVar contains an entry for this variant (Variation ID: 1957677). An algorithm developed to predict the effect of missense changes on protein structure and function (PolyPhen-2) suggests that this variant is likely to be disruptive. In summary, the available evidence is currently insufficient to determine the role of this variant in disease. Therefore, it has been classified as a Variant of Uncertain Significance.